The following is an entry in ClinVar:

NM_021615.5(CHST6):c.*2024C>G

Gene: CHST6 (carbohydrate sulfotransferase 6; minus strand). Cytogenetic location: 16q23.1.
Variant type: single nucleotide variant.
Coding change: c.*2024C>G on transcript NM_021615.5 (MANE Select); 2024 bases downstream of the stop codon, C replaced by G.
Molecular consequence: 3 prime UTR variant.
Genome position (GRCh38, 1-based): chr16:75,476,617, G>C on the plus strand (C>G on the coding strand, the complement: CHST6 is on the minus strand). VCF-style: chr16-75476617-G-C. GRCh37 (hg19) VCF-style: chr16-75510515-G-C.
Identifiers: ClinVar variation 320557 (VCV000320557.5), dbSNP rs7193828, ClinGen allele CA10644283.

ClinVar aggregate classification (germline): Benign (1 of 4 stars; one submission).

Conditions:
Macular corneal dystrophy (MCD). Also called: GROENOUW TYPE II CORNEAL DYSTROPHY; Macular corneal dystrophy Type I. Identifiers: Orphanet 98969, MedGen C1636149, MONDO:0009020, OMIM 217800.

Allele frequency attached by ClinVar (database versions not stated): gnomAD exomes 0.20833; 1000 Genomes Project 30x 0.51874; gnomAD 0.52124 and 0.52471; 1000 Genomes Project 0.52177; TOPMed 0.52548.
gnomAD v4.1: 77,217 of 147,280 alleles (52%); highest among the groups gnomAD compares: Admixed American, 64%; 20,606 homozygotes.

Submission:

Illumina Laboratory Services, Illumina
Classification: Benign for Macular corneal dystrophy. Last evaluated: 2018-01-12. Review status: criteria provided, single submitter. Criteria: ICSL Variant Classification Criteria 13 December 2019. Collection method: clinical testing. Allele origin: germline.
Comment: This variant was observed in the ICSL laboratory as part of a predisposition screen in an ostensibly healthy population. It had not been previously curated by ICSL or reported in the Human Gene Mutation Database (HGMD: prior to June 1st, 2018), and was therefore a candidate for classification through an automated scoring system. Utilizing variant allele frequency, disease prevalence and penetrance estimates, and inheritance mode, an automated score was calculated to assess if this variant is too frequent to cause the disease. Based on the score and internal cut-off values, a variant classified as benign is not then subjected to further curation. The score for this variant resulted in a classification of benign for this disease.